The following is an entry in ClinVar:

NM_020232.5(PSMG2):c.148G>A (p.Asp50Asn)

Gene: PSMG2 (proteasome assembly chaperone 2; plus strand). Cytogenetic location: 18p11.21.
Variant type: single nucleotide variant.
Coding change: c.148G>A on transcript NM_020232.5 (MANE Select); coding-DNA position 148, G replaced by A.
Protein change: p.Asp50Asn; replaces aspartic acid 50 with asparagine.
Molecular consequence: missense variant.
Genome position (GRCh38, 1-based): chr18:12,706,640, G>A. VCF-style: chr18-12706640-G-A. GRCh37 (hg19) VCF-style: chr18-12706639-G-A.
Other names: p.Asp50Asn; c.55G>A, p.Asp19Asn (NM_147163.2); c.148G>A (NM_020232.4); short protein forms D50N, D19N.
Identifiers: ClinVar variation 1369351 (VCV001369351.10), dbSNP rs760043124, ClinGen allele CA8898302.

ClinVar aggregate classification (germline): Uncertain significance. Review status: criteria provided, multiple submitters, no conflicts (2 of 4 stars). 3 submissions from 3 submitters: Uncertain significance (3). Last evaluated 2025-07-27.

Allele frequency attached by ClinVar (database versions not stated): ExAC 0.00004; TOPMed 0.00015; gnomAD 0.00020 and 0.00021.
gnomAD v4.1: 78 of 1,613,766 alleles (0.0048%); highest among the groups gnomAD compares: Admixed American, 0.09%; no homozygotes.

Submissions (3):

Labcorp Genetics (formerly Invitae), Labcorp
Classification: Uncertain significance. Last evaluated: 2025-07-27. Review status: criteria provided, single submitter. Criteria: Invitae Variant Classification Sherloc (09022015). Collection method: clinical testing. Allele origin: germline.
Comment: This sequence change replaces aspartic acid, which is acidic and polar, with asparagine, which is neutral and polar, at codon 50 of the PSMG2 protein (p.Asp50Asn). This variant is present in population databases (rs760043124, gnomAD 0.05%). This variant has not been reported in the literature in individuals affected with PSMG2-related conditions. ClinVar contains an entry for this variant (Variation ID: 1369351). An algorithm developed to predict the effect of missense changes on protein structure and function (PolyPhen-2) suggests that this variant is likely to be disruptive. In summary, the available evidence is currently insufficient to determine the role of this variant in disease. Therefore, it has been classified as a Variant of Uncertain Significance.

Mayo Clinic Laboratories, Mayo Clinic
Classification: Uncertain significance. Last evaluated: 2024-02-21. Review status: criteria provided, single submitter. Criteria: ACMG Guidelines, 2015. Collection method: clinical testing. Allele origin: germline. Observed: 1 variant allele.

Ambry Genetics
Classification: Uncertain significance. Last evaluated: 2021-06-22. Review status: criteria provided, single submitter. Criteria: Ambry Variant Classification Scheme 2023. Collection method: clinical testing. Allele origin: germline.